The following is an entry in ClinVar:

NM_006059.4(LAMC3):c.3696G>A (p.Ala1232=)

Gene: LAMC3 (laminin subunit gamma 3; plus strand). Cytogenetic location: 9q34.12.
Variant type: single nucleotide variant.
Coding change: c.3696G>A on transcript NM_006059.4 (MANE Select); coding-DNA position 3696, G replaced by A.
Protein change: p.Ala1232=; no amino-acid change (alanine 1232 retained).
Molecular consequence: synonymous variant.
Genome position (GRCh38, 1-based): chr9:131,077,253, G>A. VCF-style: chr9-131077253-G-A. GRCh37 (hg19) VCF-style: chr9-133952640-G-A.
Other names: c.3696G>A (NM_006059.3).
Identifiers: ClinVar variation 1580209 (VCV001580209.10), dbSNP rs556323605, ClinGen allele CA5287900.
Genomic context (GRCh38, chr9:131,077,253, plus strand): 5'-GGAGGTCCAGGCGGCCCAGAAAGCACTGAGGACGGCTGTGGCAGAGGTGCTGCCTGAAGC[G>A]GAAAGCGTGTTGGCCACCGTGCAGCAAGTTGGCGCAGATACAGCCCCGTACCTGGCCTTG-3'
Protein context (NP_006050.3, residues 1222-1242): RTAVAEVLPE[Ala1232=]ESVLATVQQV

ClinVar aggregate classification (germline): Likely benign. Review status: criteria provided, single submitter (1 of 4 stars). 2 submissions from 2 submitters: Likely benign (1). 1 of the submissions does not count toward it. Last evaluated 2025-01-06.

Conditions:
LAMC3-related disorder. Also called: LAMC3-related condition.

Allele frequency attached by ClinVar (database versions not stated): gnomAD 0.00002 and 0.00003; TOPMed 0.00002; ExAC 0.00003; gnomAD exomes 0.00006 and 0.00007; 1000 Genomes Project 0.00020; 1000 Genomes Project 30x 0.00031.
gnomAD v4.1: 93 of 1,613,996 alleles (0.0058%); highest among the groups gnomAD compares: South Asian, 0.031%; no homozygotes.

Submissions (2):

Labcorp Genetics (formerly Invitae), Labcorp
Classification: Likely benign. Last evaluated: 2025-01-06. Review status: criteria provided, single submitter. Criteria: Invitae Variant Classification Sherloc (09022015). Collection method: clinical testing. Allele origin: germline.

PreventionGenetics, part of Exact Sciences
Classification: Likely benign for LAMC3-related condition. Last evaluated: 2019-05-02. Review status: no assertion criteria provided. Collection method: clinical testing. Allele origin: germline. Not counted in ClinVar's aggregate classification.
Comment: This variant is classified as likely benign based on ACMG/AMP sequence variant interpretation guidelines (Richards et al. 2015 PMID: 25741868, with internal and published modifications).